The following is an entry in ClinVar:

NM_016122.3(CEP83):c.690A>T (p.Glu230Asp)

Gene: CEP83 (centrosomal protein 83; minus strand). Cytogenetic location: 12q22.
Variant type: single nucleotide variant.
Coding change: c.690A>T on transcript NM_016122.3 (MANE Select); coding-DNA position 690, A replaced by T.
Protein change: p.Glu230Asp; replaces glutamic acid 230 with aspartic acid.
Molecular consequence: missense variant. On other transcripts: non-coding transcript variant (3).
Genome position (GRCh38, 1-based): chr12:94,378,902, T>A on the plus strand (A>T on the coding strand, the complement: CEP83 is on the minus strand). VCF-style: chr12-94378902-T-A. GRCh37 (hg19) VCF-style: chr12-94772678-T-A.
Other names: c.690A>T, p.Glu230Asp (NM_001042399.2, NM_001346457.2, NM_001346460.2 and 3 more transcripts); c.378A>T, p.Glu126Asp (NM_001346458.2, NM_001346459.2, NM_001346462.2 and 2 more transcripts); c.465A>T, p.Glu155Asp (NM_001368041.1); c.153A>T, p.Glu51Asp (NM_001368042.1); short protein forms E51D, E126D, E155D, E230D.
Identifiers: ClinVar variation 1042157 (VCV001042157.7), dbSNP rs763230501, ClinGen allele CA6721864.

ClinVar aggregate classification (germline): Uncertain significance (1 of 4 stars; one submission).

Conditions:
Nephronophthisis 18 (NPHP18). Identifiers: Orphanet 655, MedGen C3890591, MONDO:0014374, OMIM 615862.

Allele frequency attached by ClinVar (database versions not stated): gnomAD below 0.00001 and 0.00001; ExAC 0.00002; gnomAD exomes 0.00002.

Submission:

Labcorp Genetics (formerly Invitae), Labcorp
Classification: Uncertain significance for Nephronophthisis 18. Last evaluated: 2021-07-09. Review status: criteria provided, single submitter. Criteria: Invitae Variant Classification Sherloc (09022015). Collection method: clinical testing. Allele origin: germline.
Comment: This sequence change replaces glutamic acid with aspartic acid at codon 230 of the CEP83 protein (p.Glu230Asp). The glutamic acid residue is highly conserved and there is a small physicochemical difference between glutamic acid and aspartic acid. This variant is present in population databases (rs763230501, ExAC 0.02%). This variant has not been reported in the literature in individuals with CEP83-related conditions. Algorithms developed to predict the effect of missense changes on protein structure and function are either unavailable or do not agree on the potential impact of this missense change (SIFT: "Not Available"; PolyPhen-2: "Probably Damaging"; Align-GVGD: "Not Available"). In summary, the available evidence is currently insufficient to determine the role of this variant in disease. Therefore, it has been classified as a Variant of Uncertain Significance.